The following is an entry in ClinVar:

ClinVar aggregate classification (germline): Likely benign. Review status: criteria provided, multiple submitters, no conflicts (2 of 4 stars). 3 submissions from 3 submitters: Likely benign (3). Last evaluated 2025-11-25.

Allele frequency attached by ClinVar (database versions not stated): gnomAD 0.00001; gnomAD exomes 0.00001; TOPMed 0.00001; ExAC 0.00002.
gnomAD v4.1: 14 of 1,614,048 alleles (0.00087%); highest among the groups gnomAD compares: Admixed American, 0.0017%; no homozygotes.

Submissions (3):

Labcorp Genetics (formerly Invitae), Labcorp
Classification: Likely benign. Last evaluated: 2025-11-25. Review status: criteria provided, single submitter. Criteria: Invitae Variant Classification Sherloc (09022015). Collection method: clinical testing. Allele origin: germline.

Blueprint Genetics
Classification: Likely benign. Last evaluated: 2024-01-16. Review status: criteria provided, single submitter. Criteria: ACMG Guidelines, 2015. Collection method: clinical testing. Allele origin: germline.

CeGaT Center for Human Genetics Tuebingen
Classification: Likely benign. Last evaluated: 2023-12-01. Review status: criteria provided, single submitter. Criteria: CeGaT Center For Human Genetics Tuebingen Variant Classification Criteria Version 2. Collection method: clinical testing. Allele origin: germline. Affected: yes. Observed: 3 variant alleles.
Comment: NTRK2: BP4, BP7

NM_006180.6(NTRK2):c.612T>C (p.Pro204=)

Gene: NTRK2 (neurotrophic receptor tyrosine kinase 2; plus strand). Cytogenetic location: 9q21.33.
Variant type: single nucleotide variant.
Coding change: c.612T>C on transcript NM_006180.6 (MANE Select); coding-DNA position 612, T replaced by C.
Protein change: p.Pro204=; no amino-acid change (proline 204 retained).
Molecular consequence: synonymous variant.
Genome position (GRCh38, 1-based): chr9:84,723,601, T>C. VCF-style: chr9-84723601-T-C. GRCh37 (hg19) VCF-style: chr9-87338516-T-C.
Other names: c.612T>C, p.Pro204= (NM_001007097.3, NM_001018064.3, NM_001018065.2 and 18 more transcripts); c.144T>C, p.Pro48= (NM_001369535.1, NM_001369536.1, NM_001369550.1 and 2 more transcripts).
Identifiers: ClinVar variation 1176572 (VCV001176572.42), dbSNP rs754682437, ClinGen allele CA5105547.